The following is an entry in ClinVar:

NM_003865.3(HESX1):c.-13del

Gene: HESX1 (HESX homeobox 1; minus strand). Cytogenetic location: 3p14.3.
Variant type: Deletion.
Coding change: c.-13del on transcript NM_003865.3 (MANE Select); 13 bases upstream of the start codon, one base deleted (A; older notation c.-13delA).
Molecular consequence: 5 prime UTR variant.
Genome position (GRCh38, 1-based): chr3:57,199,931, T deleted on the plus strand (A on the coding strand, the reverse complement: HESX1 is on the minus strand). VCF-style (leftmost placement, unchanged base first): chr3-57199930-CT-C. GRCh37 (hg19) VCF-style: chr3-57233958-CT-C.
Other names: c.-13del (NM_001376058.1, NM_001376059.1, NM_001376060.1 and 1 more transcripts); c.-13delA (NM_003865.3).
Identifiers: ClinVar variation 3902290 (VCV003902290.1).

ClinVar aggregate classification (germline): Uncertain significance (1 of 4 stars; one submission).

Submission:

Women's Health and Genetics/Laboratory Corporation of America, LabCorp
Classification: Uncertain significance. Last evaluated: 2025-05-12. Review status: criteria provided, single submitter. Criteria: LabCorp Variant Classification Summary - May 2015. Collection method: clinical testing. Allele origin: germline.
Comment: Variant summary: HESX1 c.-13delA is located in the untranslated mRNA region upstream of the initiation codon. The variant was absent in 251466 control chromosomes (gnomAD). The available data on variant occurrences in the general population are insufficient to allow any conclusion about variant significance. To our knowledge, no occurrence of c.-13delA in individuals affected with HESX1-Related Disorders and no experimental evidence demonstrating its impact on protein function have been reported. No submitters have cited clinical-significance assessments for this variant to ClinVar. Based on the evidence outlined above, the variant was classified as uncertain significance.